The following is an entry in ClinVar:

NM_000834.5(GRIN2B):c.3491G>A (p.Arg1164His)

Gene: GRIN2B (glutamate ionotropic receptor NMDA type subunit 2B; minus strand). Cytogenetic location: 12p13.1.
Variant type: single nucleotide variant.
Coding change: c.3491G>A on transcript NM_000834.5 (MANE Select); coding-DNA position 3491, G replaced by A.
Protein change: p.Arg1164His; replaces arginine 1164 with histidine.
Molecular consequence: missense variant.
Genome position (GRCh38, 1-based): chr12:13,563,747, C>T on the plus strand (G>A on the coding strand, the complement: GRIN2B is on the minus strand). VCF-style: chr12-13563747-C-T. GRCh37 (hg19) VCF-style: chr12-13716681-C-T.
Other names: c.3491G>A, p.Arg1164His (NM_001413992.1); short protein forms R1164H.
Identifiers: ClinVar variation 1731940 (VCV001731940.7), dbSNP rs201250088, ClinGen allele CA6460892.

ClinVar aggregate classification (germline): Uncertain significance. Review status: criteria provided, multiple submitters, no conflicts (2 of 4 stars). 2 submissions from 2 submitters: Uncertain significance (2). Last evaluated 2025-12-30.

Conditions:
Intellectual developmental disorder, autosomal dominant 6, with or without seizures. Also called: GRIN2B-related developmental delay, intellectual disability and autism spectrum disorder; Intellectual disability, autosomal dominant 6. Identifiers: Orphanet 589547, MedGen C3151411, MONDO:0013509, OMIM 613970.
Developmental and epileptic encephalopathy, 27 (DEE27). Also called: GRIN2B-Related Neurodevelopmental Disorder; Epileptic encephalopathy, early infantile, 27. Identifiers: Orphanet 3451, MedGen C4015316, MONDO:0014505, OMIM 616139.
Inborn genetic diseases. Identifiers: MedGen C0950123, MeSH D030342.

Allele frequency attached by ClinVar (database versions not stated): gnomAD 0.00001; gnomAD exomes 0.00001; ExAC 0.00001.
gnomAD v4.1: 14 of 1,613,858 alleles (0.00087%); highest among the groups gnomAD compares: Middle Eastern, 0.016%; no homozygotes.

Submissions (2):

Labcorp Genetics (formerly Invitae), Labcorp
Classification: Uncertain significance for Developmental and epileptic encephalopathy, 27; Intellectual developmental disorder, autosomal dominant 6, with or without seizures. Last evaluated: 2025-12-30. Review status: criteria provided, single submitter. Criteria: Invitae Variant Classification Sherloc (09022015). Collection method: clinical testing. Allele origin: germline.
Comment: This sequence change replaces arginine, which is basic and polar, with histidine, which is basic and polar, at codon 1164 of the GRIN2B protein (p.Arg1164His). This variant is present in population databases (rs201250088, gnomAD 0.003%). This variant has not been reported in the literature in individuals affected with GRIN2B-related conditions. ClinVar contains an entry for this variant (Variation ID: 1731940). Invitae Evidence Modeling of protein sequence and biophysical properties (such as structural, functional, and spatial information, amino acid conservation, physicochemical variation, residue mobility, and thermodynamic stability) indicates that this missense variant is not expected to disrupt GRIN2B protein function with a negative predictive value of 95%. In summary, the available evidence is currently insufficient to determine the role of this variant in disease. Therefore, it has been classified as a Variant of Uncertain Significance.

Ambry Genetics
Classification: Uncertain significance for Inborn genetic diseases. Last evaluated: 2019-09-06. Review status: criteria provided, single submitter. Criteria: Ambry Variant Classification Scheme 2023. Collection method: clinical testing. Allele origin: germline.
Comment: The p.R1164H variant (also known as c.3491G>A), located in coding exon 12 of the GRIN2B gene, results from a G to A substitution at nucleotide position 3491. The arginine at codon 1164 is replaced by histidine, an amino acid with highly similar properties. This amino acid position is well conserved in available vertebrate species. In addition, this alteration is predicted to be tolerated by in silico analysis. Since supporting evidence is limited at this time, the clinical significance of this alteration remains unclear.